The following is an entry in ClinVar:

NM_001126108.2(SLC12A3):c.1433_1434del (p.Lys478fs)

Gene: SLC12A3 (solute carrier family 12 member 3; plus strand). Cytogenetic location: 16q13.
Variant type: Deletion.
Coding change: c.1433_1434del on transcript NM_001126108.2 (MANE Select); coding-DNA positions 1433 to 1434, 2 bases deleted (AA; older notation c.1433_1434delAA).
Protein change: p.Lys478fs; shifts the reading frame from lysine 478.
Molecular consequence: frameshift variant.
Genome position (GRCh38, 1-based): chr16:56,879,639-56,879,640, AA deleted; deleting any 2 consecutive bases within chr16:56,879,638-56,879,640 gives the same sequence; the c. name uses the placement nearest the transcript's 3' end. VCF-style (leftmost placement, unchanged base first): chr16-56879637-CAA-C. GRCh37 (hg19) VCF-style: chr16-56913549-CAA-C.
Other names: c.1433_1434del, p.Lys478fs (NM_000339.3); c.1430_1431del, p.Lys477fs (NM_001126107.2, NM_001410896.1); short protein forms K477fs, K478fs.
Identifiers: ClinVar variation 4818188 (VCV004818188.1).

ClinVar aggregate classification (germline): Likely pathogenic (1 of 4 stars; one submission).

Conditions:
Familial hypokalemia-hypomagnesemia (GTLMNS). Also called: POTASSIUM AND MAGNESIUM DEPLETION; HYPOMAGNESEMIA-HYPOKALEMIA, PRIMARY RENOTUBULAR, WITH HYPOCALCIURIA; gitelman syndrome. Identifiers: Orphanet 358, MedGen C0268450, MONDO:0009904, OMIM 263800.

Submission:

Natera, Inc.
Classification: Likely pathogenic for Gitelman syndrome. Last evaluated: 2025-04-17. Review status: criteria provided, single submitter. Criteria: Natera Variant Classification Schema (03/2026). Collection method: clinical testing. Allele origin: germline.
Comment: The c.1433_1434delAA variant in SLC12A3 is a frameshift variant predicted to shift the reading frame beginning at codon 478 and leads to a stop codon 46 codons downstream. This variant may result in a truncated or dysfunctional protein product. This variant is rare in the general population with a frequency below the threshold expected for the associated phenotype(s). Given the available evidence, this variant is classified as Likely Pathogenic.